The following is an entry in ClinVar:

NM_000368.5(TSC1):c.509-9del

Gene: TSC1 (TSC complex subunit 1; minus strand). Cytogenetic location: 9q34.13.
Variant type: Deletion.
Coding change: c.509-9del on transcript NM_000368.5 (MANE Select); 9 bases into the intron before coding-DNA position 509, one base deleted (C; older notation c.509-9delC).
Molecular consequence: intron variant.
Genome position (GRCh38, 1-based): chr9:132,921,982, G deleted on the plus strand (C on the coding strand, the reverse complement: TSC1 is on the minus strand); the first of 2 consecutive G bases (chr9:132,921,982-132,921,983); deleting either gives the same sequence. VCF-style (leftmost placement, unchanged base first): chr9-132921981-AG-A. GRCh37 (hg19) VCF-style: chr9-135797368-AG-A.
Other names: c.509-9del (NM_000368.4, NM_001162426.2); c.146-9del (NM_001362177.2); c.356-9del (NM_001162427.2).
Identifiers: ClinVar variation 701034 (VCV000701034.11), dbSNP rs1436371020, ClinGen allele CA591050644.
Genomic context (GRCh38, chr9:132,921,981, plus strand): 5'-GAGTGCGTACACACTGGCATGGAGATGGACGAGATAGACTTCCGCCACGTGGCCTAGAAA[AG>A]GAACCCGTTGAGAAGAGCCTCTTAGTTGGAGACAGATTGAGGAGTGCAAAACAGCTATAA-3'

ClinVar aggregate classification (germline): Likely benign. Review status: criteria provided, multiple submitters, no conflicts (2 of 4 stars). 2 submissions from 2 submitters: Likely benign (2). Last evaluated 2026-01-29.

Conditions:
Tuberous sclerosis 1 (TSC1). Identifiers: Orphanet 805, MedGen C1854465, MONDO:0008612, OMIM 191100.

Submissions (2):

Labcorp Genetics (formerly Invitae), Labcorp
Classification: Likely benign for Tuberous sclerosis 1. Last evaluated: 2026-01-29. Review status: criteria provided, single submitter. Criteria: Invitae Variant Classification Sherloc (09022015). Collection method: clinical testing. Allele origin: germline.

Myriad Genetics, Inc.
Classification: Likely benign for Tuberous sclerosis 1. Last evaluated: 2025-04-08. Review status: criteria provided, single submitter. Criteria: Myriad Autosomal Dominant, Autosomal Recessive and X-Linked Classification Criteria (2023). Collection method: clinical testing. Allele origin: unknown.
Comment: This variant is considered likely benign. This variant is intronic and is not expected to impact mRNA splicing.